The following is an entry in ClinVar:

NM_025215.6(PUS1):c.894C>T (p.Val298=)

Gene: PUS1 (pseudouridine synthase 1; plus strand). Cytogenetic location: 12q24.33.
Variant type: single nucleotide variant.
Coding change: c.894C>T on transcript NM_025215.6 (MANE Select); coding-DNA position 894, C replaced by T.
Protein change: p.Val298=; no amino-acid change (valine 298 retained).
Molecular consequence: synonymous variant.
Genome position (GRCh38, 1-based): chr12:131,941,641, C>T. VCF-style: chr12-131941641-C-T. GRCh37 (hg19) VCF-style: chr12-132426186-C-T.
Other names: c.810C>T, p.Val270= (NM_001002019.3, NM_001002020.3).
Identifiers: ClinVar variation 307705 (VCV000307705.41), dbSNP rs201908893, ClinGen allele CA6884264.
Genomic context (GRCh38, chr12:131,941,641, plus strand): 5'-GTTTGCGGTGATCAGGGTGAAGGGCCAGAGCTTCATGATGCATCAGATCCGGAAGATGGT[C>T]GGCCTGGTGGTGGCCATTGTGAAGGGTTATGCCCCTGAGAGCGTGCTGGAGCGCAGCTGG-3'
Protein context (NP_079491.2, residues 288-308): SFMMHQIRKM[Val298=]GLVVAIVKGY

ClinVar aggregate classification (germline): Benign/Likely benign. Review status: criteria provided, multiple submitters, no conflicts (2 of 4 stars). 6 submissions from 6 submitters: Benign (1); Likely benign (4). 1 of the submissions does not count toward it. Last evaluated 2026-01-28.

Conditions:
Myopathy, lactic acidosis, and sideroblastic anemia 1 (MLASA1). Identifiers: Orphanet 2598, MedGen C4551958, MONDO:0024553, OMIM 600462.

Allele frequency attached by ClinVar (database versions not stated): gnomAD 0.00001 and 0.00011; TOPMed 0.00004; gnomAD exomes 0.00024 and 0.00047; ExAC 0.00051; 1000 Genomes Project 0.00080; 1000 Genomes Project 30x 0.00109.
gnomAD v4.1: 370 of 1,614,150 alleles (0.023%); highest among the groups gnomAD compares: South Asian, 0.37%; 3 homozygotes.

Submissions (6):

Labcorp Genetics (formerly Invitae), Labcorp
Classification: Benign. Last evaluated: 2026-01-28. Review status: criteria provided, single submitter. Criteria: Invitae Variant Classification Sherloc (09022015). Collection method: clinical testing. Allele origin: germline.

Blueprint Genetics
Classification: Likely benign. Last evaluated: 2024-11-14. Review status: criteria provided, single submitter. Criteria: ACMG Guidelines, 2015. Collection method: clinical testing. Allele origin: germline.

CeGaT Center for Human Genetics Tuebingen
Classification: Likely benign. Last evaluated: 2022-12-01. Review status: criteria provided, single submitter. Criteria: CeGaT Center For Human Genetics Tuebingen Variant Classification Criteria Version 2. Collection method: clinical testing. Allele origin: germline. Affected: yes. Observed: 1 variant allele.
Comment: PUS1: BP4, BP7

Illumina Laboratory Services, Illumina
Classification: Likely benign for Myopathy, lactic acidosis, and sideroblastic anemia 1. Last evaluated: 2018-01-13. Review status: criteria provided, single submitter. Criteria: ICSL Variant Classification Criteria 13 December 2019. Collection method: clinical testing. Allele origin: germline.
Comment: This variant was observed in the ICSL laboratory as part of a predisposition screen in an ostensibly healthy population. It had not been previously curated by ICSL or reported in the Human Gene Mutation Database (HGMD: prior to June 1st, 2018), and was therefore a candidate for classification through an automated scoring system. Utilizing variant allele frequency, disease prevalence and penetrance estimates, and inheritance mode, an automated score was calculated to assess if this variant is too frequent to cause the disease. Based on the score and internal cut-off values, a variant classified as likely benign is not then subjected to further curation. The score for this variant resulted in a classification of likely benign for this disease.

GeneDx
Classification: Likely benign. Last evaluated: 2016-02-25. Review status: criteria provided, single submitter. Criteria: GeneDx Variant Classification (06012015). Collection method: clinical testing. Allele origin: germline. Affected: yes.
Comment: This variant is considered likely benign or benign based on one or more of the following criteria: it is a conservative change, it occurs at a poorly conserved position in the protein, it is predicted to be benign by multiple in silico algorithms, and/or has population frequency not consistent with disease.

Natera, Inc.
Classification: Uncertain significance for Myopathy, lactic acidosis, and sideroblastic anemia 1. Last evaluated: 2020-01-24. Review status: no assertion criteria provided. Collection method: clinical testing. Allele origin: germline. Not counted in ClinVar's aggregate classification.